The following is an entry in ClinVar:

NM_024675.4(PALB2):c.3511T>G (p.Leu1171Val)

Gene: PALB2 (partner and localizer of BRCA2; minus strand). Cytogenetic location: 16p12.2.
Variant type: single nucleotide variant.
Coding change: c.3511T>G on transcript NM_024675.4 (MANE Select); coding-DNA position 3511, T replaced by G.
Protein change: p.Leu1171Val; replaces leucine 1171 with valine.
Molecular consequence: missense variant. On other transcripts: 3 prime UTR variant (5).
Genome position (GRCh38, 1-based): chr16:23,603,509, A>C on the plus strand (T>G on the coding strand, the complement: PALB2 is on the minus strand). VCF-style: chr16-23603509-A-C. GRCh37 (hg19) VCF-style: chr16-23614830-A-C.
Other names: c.3451T>G, p.Leu1151Val (NM_001407296.1); c.3439T>G, p.Leu1147Val (NM_001407297.1); c.3349T>G, p.Leu1117Val (NM_001407298.1); c.*146T>G (NM_001407311.1, NM_001407313.1, NM_001407301.1 and 2 more transcripts); c.1723T>G, p.Leu575Val (NM_001407312.1); c.1045T>G, p.Leu349Val (NM_001407314.1); c.3274T>G, p.Leu1092Val (NM_001407299.1); c.3232T>G, p.Leu1078Val (NM_001407300.1); and 3 more; short protein forms L575V, L876V, L1151V, L1092V, L1117V, L1171V, L822V, L1078V.
Identifiers: ClinVar variation 4825311 (VCV004825311.1).

ClinVar aggregate classification (germline): Uncertain significance (1 of 4 stars; one submission).

Conditions:
Hereditary cancer-predisposing syndrome. Also called: Neoplastic Syndromes, Hereditary; Tumor predisposition; Hereditary Cancer Syndrome; Hereditary neoplastic syndrome. Identifiers: Orphanet 140162, MedGen C0027672, MeSH D009386, MONDO:0015356.

Submission:

Ambry Genetics
Classification: Uncertain significance for Hereditary cancer-predisposing syndrome. Last evaluated: 2026-02-18. Review status: criteria provided, single submitter. Criteria: Ambry Variant Classification Scheme 2023. Collection method: clinical testing. Allele origin: germline.
Comment: The p.L1171V variant (also known as c.3511T>G), located in coding exon 13 of the PALB2 gene, results from a T to G substitution at nucleotide position 3511. The leucine at codon 1171 is replaced by valine, an amino acid with highly similar properties. This amino acid position is conserved. In addition, this alteration is predicted to be tolerated by in silico analysis. Based on the available evidence, the clinical significance of this variant remains unclear.